The following is an entry in ClinVar:

NM_000091.5(COL4A3):c.2180G>A (p.Gly727Glu)

Genes: MFF-DT (MFF divergent transcript; minus strand), COL4A3 (collagen type IV alpha 3 chain; plus strand). Cytogenetic location: 2q36.3.
Variant type: single nucleotide variant.
Coding change: c.2180G>A on transcript NM_000091.5 (MANE Select); coding-DNA position 2180, G replaced by A.
Protein change: p.Gly727Glu; replaces glycine 727 with glutamic acid.
Molecular consequence: missense variant.
Genome position (GRCh38, 1-based): chr2:227,279,847, G>A. VCF-style: chr2-227279847-G-A. GRCh37 (hg19) VCF-style: chr2-228144563-G-A.
Other names: short protein forms G727E.
Identifiers: ClinVar variation 1351937 (VCV001351937.7), dbSNP rs2106147306, ClinGen allele CA350847727.

ClinVar aggregate classification (germline): Conflicting classifications of pathogenicity. Review status: criteria provided, conflicting classifications (1 of 4 stars). 2 submissions from 2 submitters: Likely pathogenic (1); Uncertain significance (1). Last evaluated 2025-06-12.

Conditions:
Autosomal dominant Alport syndrome (ATS3A). Also called: Alport syndrome dominant type; Renal failure and sensorineural hearing loss; ALPORT SYNDROME 3A, AUTOSOMAL DOMINANT. Identifiers: Orphanet 63, Orphanet 88918, MedGen C5882663, MONDO:0007086, OMIM 104200.
Alport syndrome 3b, autosomal recessive. Identifiers: MedGen C5882699, MONDO:0957811, OMIM 620536.
Hematuria, benign familial, 2 (BFH2). Identifiers: MedGen C5830421, MONDO:0958186, OMIM 620320.

Submissions (2):

Labcorp Genetics (formerly Invitae), Labcorp
Classification: Uncertain significance. Last evaluated: 2025-06-12. Review status: criteria provided, single submitter. Criteria: Invitae Variant Classification Sherloc (09022015). Collection method: clinical testing. Allele origin: germline.
Comment: This sequence change replaces glycine, which is neutral and non-polar, with glutamic acid, which is acidic and polar, at codon 727 of the COL4A3 protein (p.Gly727Glu). This variant is not present in population databases (gnomAD no frequency). This variant has not been reported in the literature in individuals affected with COL4A3-related conditions. ClinVar contains an entry for this variant (Variation ID: 1351937). Invitae Evidence Modeling of protein sequence and biophysical properties (such as structural, functional, and spatial information, amino acid conservation, physicochemical variation, residue mobility, and thermodynamic stability) indicates that this missense variant is expected to disrupt COL4A3 protein function with a positive predictive value of 80%. In summary, the available evidence is currently insufficient to determine the role of this variant in disease. Therefore, it has been classified as a Variant of Uncertain Significance.

Fulgent Genetics
Classification: Likely pathogenic for Autosomal dominant Alport syndrome; Hematuria, benign familial, 2; Alport syndrome 3b, autosomal recessive. Last evaluated: 2024-06-17. Review status: criteria provided, single submitter. Criteria: ACMG Guidelines, 2015. Collection method: clinical testing. Allele origin: germline.